The following is an entry in ClinVar:

ClinVar aggregate classification (germline): Conflicting classifications of pathogenicity. Review status: criteria provided, conflicting classifications (1 of 4 stars). 8 submissions from 8 submitters: Uncertain significance (5); Likely benign (3). Last evaluated 2026-05-27.

Conditions:
AARS1-related disorder. Also called: AARS1-related condition.
Inborn genetic diseases. Identifiers: MedGen C0950123, MeSH D030342.
Charcot-Marie-Tooth disease type 2. Also called: Charcot-Marie-Tooth type 2. Identifiers: Orphanet 64746, MedGen C0270914, MONDO:0018993.
Charcot-Marie-Tooth disease. Also called: Charcot-Marie-Tooth Hereditary Neuropathy; Charcot-Marie-Tooth Neuropathy. Identifiers: Orphanet 166, MedGen C0007959, MONDO:0015626.

Allele frequency attached by ClinVar (database versions not stated): gnomAD exomes 0.00005 and 0.00006; ExAC 0.00007; ESP Exome Variant Server 0.00008; gnomAD 0.00013 and 0.00014; 1000 Genomes Project 30x 0.00016; TOPMed 0.00017; 1000 Genomes Project 0.00020.
gnomAD v4.1: 101 of 1,614,024 alleles (0.0063%); highest among the groups gnomAD compares: Middle Eastern, 0.033%; no homozygotes.

Submissions (8):

PreventionGenetics, part of Exact Sciences
Classification: Uncertain significance for AARS1-related condition. Last evaluated: 2026-05-27. Review status: criteria provided, single submitter. Criteria: ACMG Guidelines, 2015. Collection method: clinical testing. Allele origin: germline.
Comment: The AARS1 c.385C>G variant is predicted to result in the amino acid substitution p.Pro129Ala. This variant has been reported as a variant of uncertain significance in an individual from a large cohort study of Charcot-Marie-Tooth disease; however, additional evidence was not provided (Suppl. Table 2, Volodarsky et al. 2021. PubMed ID: 32376792). This variant is reported in 0.0070% of alleles in individuals of European (Non-Finnish) descent in gnomAD. At this time, the clinical significance of this variant is uncertain due to the absence of conclusive functional and genetic evidence.

Labcorp Genetics (formerly Invitae), Labcorp
Classification: Likely benign for Charcot-Marie-Tooth disease type 2. Last evaluated: 2026-01-06. Review status: criteria provided, single submitter. Criteria: Invitae Variant Classification Sherloc (09022015). Collection method: clinical testing. Allele origin: germline.

GeneDx
Classification: Uncertain significance. Last evaluated: 2025-11-25. Review status: criteria provided, single submitter. Criteria: GeneDx Variant Classification Process June 2021. Collection method: clinical testing. Allele origin: germline. Affected: yes.
Comment: Classified as a variant of uncertain significance in a cohort of individuals with Charcot-Marie-Tooth disease (PMID: 32376792); In silico analysis supports that this missense variant has a deleterious effect on protein structure/function; This variant is associated with the following publications: (PMID: 25817015, 32376792)

Blueprint Genetics
Classification: Uncertain significance. Last evaluated: 2024-10-30. Review status: criteria provided, single submitter. Criteria: ACMG Guidelines, 2015. Collection method: clinical testing. Allele origin: germline.

Mayo Clinic Laboratories, Mayo Clinic
Classification: Uncertain significance. Last evaluated: 2022-01-12. Review status: criteria provided, single submitter. Criteria: ACMG Guidelines, 2015. Collection method: clinical testing. Allele origin: germline.

Cambridge Genomics Laboratory, East Genomic Laboratory Hub, NHS Genomic Medicine Service
Classification: Likely benign for Charcot-Marie-Tooth disease. Last evaluated: 2020-07-14. Review status: criteria provided, single submitter. Criteria: ACGS Best Practice Guidelines for Variant Classification in Rare Disease 2020. Collection method: clinical testing. Allele origin: germline. Affected: yes. Observed: 1 variant allele.

Ambry Genetics
Classification: Likely benign for Inborn genetic diseases. Last evaluated: 2020-02-11. Review status: criteria provided, single submitter. Criteria: Ambry Variant Classification Scheme 2023. Collection method: clinical testing. Allele origin: germline.

Molecular Genetics Laboratory, London Health Sciences Centre
Classification: Uncertain significance for Charcot-Marie-Tooth disease. Review status: criteria provided, single submitter. Criteria: ACMG Guidelines, 2015. Collection method: clinical testing. Allele origin: germline. Affected: yes.

NM_001605.3(AARS1):c.385C>G (p.Pro129Ala)

Gene: AARS1 (alanyl-tRNA synthetase 1; minus strand). Cytogenetic location: 16q22.1.
Variant type: single nucleotide variant.
Coding change: c.385C>G on transcript NM_001605.3 (MANE Select); coding-DNA position 385, C replaced by G.
Protein change: p.Pro129Ala; replaces proline 129 with alanine.
Molecular consequence: missense variant.
Genome position (GRCh38, 1-based): chr16:70,276,580, G>C on the plus strand (C>G on the coding strand, the complement: AARS1 is on the minus strand). VCF-style: chr16-70276580-G-C. GRCh37 (hg19) VCF-style: chr16-70310483-G-C.
Other names: p.Pro129Ala; short protein forms P129A.
Identifiers: ClinVar variation 246216 (VCV000246216.21), dbSNP rs370622071, ClinGen allele CA8141145.